The following is an entry in ClinVar:

ClinVar aggregate classification (germline): Pathogenic (1 of 4 stars; one submission).

Conditions:
Glycogen storage disease type III (GSD3). Also called: FORBES DISEASE; Cori disease. Identifiers: Orphanet 366, MedGen C0017922, MONDO:0009291, OMIM 232400.

Submission:

Myriad Genetics, Inc.
Classification: Pathogenic for Glycogen storage disease type III. Last evaluated: 2025-01-11. Review status: criteria provided, single submitter. Criteria: Myriad Autosomal Dominant, Autosomal Recessive and X-Linked Classification Criteria (2023). Collection method: clinical testing. Allele origin: unknown.
Comment: NM_000642.2(AGL):c.3045dupT(T1016Yfs*54) is expected to be pathogenic in the context of glycogen storage disease type III. This variant is predicted to lead to an abnormal or absent protein product due to the creation of a premature termination codon in AGL, a gene where loss-of-function variants are known to be pathogenic. Please note: this variant was assessed in the context of healthy population screening.

NM_000642.3(AGL):c.3045dup (p.Thr1016fs)

Gene: AGL (amylo-alpha-1,6-glucosidase and 4-alpha-glucanotransferase; plus strand). Cytogenetic location: 1p21.2.
Variant type: Duplication.
Coding change: c.3045dup on transcript NM_000642.3 (MANE Select); coding-DNA position 3045, one base duplicated (T; older notation c.3045dupT).
Protein change: p.Thr1016fs; shifts the reading frame from threonine 1016.
Molecular consequence: frameshift variant.
Genome position (GRCh38, 1-based): chr1:99,891,701, T duplicated. VCF-style (leftmost placement, unchanged base first): chr1-99891700-A-AT. GRCh37 (hg19) VCF-style: chr1-100357256-A-AT.
Other names: c.3045dup, p.Thr1016fs (NM_000028.3, NM_000643.3, NM_000644.3 and 1 more transcripts); c.2997dup, p.Thr1000fs (NM_000646.3); c.3024dup, p.Thr1009fs (NM_001425326.1); c.2844dup, p.Thr949fs (NM_001425327.1); c.2841dup, p.Thr948fs (NM_001425328.1); c.2706dup, p.Thr903fs (NM_001425329.1); c.2667dup, p.Thr890fs (NM_001425332.1); short protein forms T1000fs, T1009fs, T1016fs, T890fs, T903fs, T948fs, T949fs.
Identifiers: ClinVar variation 5013946 (VCV005013946.1).
Genomic context (GRCh38, chr1:99,891,700, plus strand): 5'-TGAAGCAGATCCCACGTTACCTTATCCCATGTTACTTTGATGCTATATTAATTGGTGCAT[A>AT]TACCACTCTTCTGGATACAGCATGGAAGCAGATGTCAAGGTATATCCAACAAAGCTTGAA-3'